The following is an entry in ClinVar:

NM_000558.5(HBA1):c.344C>A (p.Pro115His)

Genes: HBA1 (hemoglobin subunit alpha 1; plus strand), LOC106804613 (hemoglobin subunit alpha 1 recombination region; plus strand). Cytogenetic location: 16p13.3.
Variant type: single nucleotide variant.
Coding change: c.344C>A on transcript NM_000558.5 (MANE Select); coding-DNA position 344, C replaced by A.
Protein change: p.Pro115His; replaces proline 115 with histidine.
Molecular consequence: missense variant.
Genome position (GRCh38, 1-based): chr16:177,326, C>A. VCF-style: chr16-177326-C-A. GRCh37 (hg19) VCF-style: chr16-227325-C-A.
Other names: short protein forms P115H.
Identifiers: ClinVar variation 4536965 (VCV004536965.1).
Genomic context (GRCh38, chr16:177,326, plus strand): 5'-CCCTCTTCTCTGCACAGCTCCTAAGCCACTGCCTGCTGGTGACCCTGGCCGCCCACCTCC[C>A]CGCCGAGTTCACCCCTGCGGTGCACGCCTCCCTGGACAAGTTCCTGGCTTCTGTGAGCAC-3'
Protein context (NP_000549.1, residues 105-125): CLLVTLAAHL[Pro115His]AEFTPAVHAS

ClinVar aggregate classification (germline): Uncertain significance (1 of 4 stars; one submission).

Submission:

Women's Health and Genetics/Laboratory Corporation of America, LabCorp
Classification: Uncertain significance. Last evaluated: 2025-11-07. Review status: criteria provided, single submitter. Criteria: LabCorp Variant Classification Summary - May 2015. Collection method: clinical testing. Allele origin: germline.
Comment: Variant summary: HBA1 c.344C>A (p.Pro115His) results in a non-conservative amino acid change in the encoded protein sequence. Algorithms developed to predict the effect of missense changes on protein structure and function are either unavailable or do not agree on the potential impact of this missense change. The variant was absent in 246692 control chromosomes. The available data on variant occurrences in the general population are insufficient to allow any conclusion about variant significance. c.344C>A has been observed in one individual without HBA1 related conditions (Xu_2018). These report(s) do not provide unequivocal conclusions about association of the variant with Alpha Thalassemia. To our knowledge, no experimental evidence demonstrating an impact on protein function has been reported. The following publication has been ascertained in the context of this evaluation (PMID: 30277418). No submitters have cited clinical-significance assessments for this variant to ClinVar. Based on the evidence outlined above, the variant was classified as uncertain significance.

Literature cited by the submitters: PubMed 30277418.